The following is an entry in ClinVar:

ClinVar aggregate classification (germline): Likely benign. Review status: criteria provided, multiple submitters, no conflicts (2 of 4 stars). 3 submissions from 3 submitters: Likely benign (2). 1 of the submissions does not count toward it. Last evaluated 2025-07-05.

Conditions:
MAST1-related disorder. Also called: MAST1-related condition.

Allele frequency attached by ClinVar (database versions not stated): ExAC 0.00008; 1000 Genomes Project 30x 0.00016; TOPMed 0.00020; gnomAD 0.00023; gnomAD exomes 0.00027.
gnomAD v4.1: 395 of 1,542,772 alleles (0.026%); highest among the groups gnomAD compares: Non-Finnish European, 0.033%; no homozygotes.

Submissions (3):

Labcorp Genetics (formerly Invitae), Labcorp
Classification: Likely benign. Last evaluated: 2025-07-05. Review status: criteria provided, single submitter. Criteria: Invitae Variant Classification Sherloc (09022015). Collection method: clinical testing. Allele origin: germline.

CeGaT Center for Human Genetics Tuebingen
Classification: Likely benign. Last evaluated: 2024-08-01. Review status: criteria provided, single submitter. Criteria: CeGaT Center For Human Genetics Tuebingen Variant Classification Criteria Version 2. Collection method: clinical testing. Allele origin: germline. Affected: yes. Observed: 2 variant alleles.
Comment: MAST1: BP4, BP7

PreventionGenetics, part of Exact Sciences
Classification: Likely benign for MAST1-related condition. Last evaluated: 2019-09-23. Review status: no assertion criteria provided. Collection method: clinical testing. Allele origin: germline. Not counted in ClinVar's aggregate classification.
Comment: This variant is classified as likely benign based on ACMG/AMP sequence variant interpretation guidelines (Richards et al. 2015 PMID: 25741868, with internal and published modifications).

NM_014975.3(MAST1):c.4035G>A (p.Leu1345=)

Gene: MAST1 (microtubule associated serine/threonine kinase 1; plus strand). Cytogenetic location: 19p13.13.
Variant type: single nucleotide variant.
Coding change: c.4035G>A on transcript NM_014975.3 (MANE Select); coding-DNA position 4035, G replaced by A.
Protein change: p.Leu1345=; no amino-acid change (leucine 1345 retained).
Molecular consequence: synonymous variant.
Genome position (GRCh38, 1-based): chr19:12,874,192, G>A. VCF-style: chr19-12874192-G-A. GRCh37 (hg19) VCF-style: chr19-12985006-G-A.
Other names: c.4035G>A (NM_014975.2).
Identifiers: ClinVar variation 2076489 (VCV002076489.29), dbSNP rs763191186, ClinGen allele CA9233511.
Genomic context (GRCh38, chr19:12,874,192, plus strand): 5'-GGTCGCCGTCCGCCGCCTGGGCCGACAGGAGTCACCTTTGAGCCTGGGCGCGGACCCGTT[G>A]CTGCCCGAGGGTGCCTCCAGGCCACCAGTGTCGAGCAAGGAGAAGGAATCCCCGGGGGGC-3'
Protein context (NP_055790.1, residues 1335-1355): ESPLSLGADP[Leu1345=]LPEGASRPPV